The following is an entry in ClinVar:

ClinVar aggregate classification (germline): Pathogenic. Review status: criteria provided, single submitter (1 of 4 stars). 2 submissions from 2 submitters: Pathogenic (1). 1 of the submissions does not count toward it. Last evaluated 2018-11-05.

Conditions:
Androgen resistance syndrome (AIS). Also called: Androgen insensitivity, complete; Androgen insensitivity syndrome due to coactivator deficiency; Androgen insensitivity syndrome; Androgen insensitivity; ANDROGEN RECEPTOR DEFICIENCY; DIHYDROTESTOSTERONE RECEPTOR DEFICIENCY. Identifiers: Orphanet 754, Orphanet 99429, MedGen C0039585, MONDO:0019154, OMIM 300068. Disease mechanism: loss of function.
Kennedy disease (SMAX1). Also called: Spinal and Bulbar Muscular Atrophy; SPINAL AND BULBAR MUSCULAR ATROPHY, X-LINKED 1; KENNEDY SPINAL AND BULBAR MUSCULAR ATROPHY. Identifiers: Orphanet 481, MedGen C1839259, MONDO:0010735, OMIM 313200.

Submissions (2):

Labcorp Genetics (formerly Invitae), Labcorp
Classification: Pathogenic for Bulbo-spinal atrophy X-linked; Androgen resistance syndrome. Last evaluated: 2018-11-05. Review status: criteria provided, single submitter. Criteria: Invitae Variant Classification Sherloc (09022015). Collection method: clinical testing. Allele origin: germline.
Comment: This sequence change creates a premature translational stop signal (p.Phe439Hisfs*62) in the AR gene. It is expected to result in an absent or disrupted protein product. The frequency data for this variant in the population databases is considered unreliable, as metrics indicate insufficient coverage at this position in the ExAC database. This variant has not been reported in the literature in individuals with AR-related disease. Loss-of-function variants in AR are known to be pathogenic (PMID: 19463997). For these reasons, this variant has been classified as Pathogenic.

Department of Urology, Children's Hospital, Zhejiang University School of Medicine
Classification: Pathogenic for Androgen resistance syndrome. Last evaluated: 2025-04-10. Review status: no assertion criteria provided. Criteria: Submitter's publication. Collection method: provider interpretation. Allele origin: de novo. Affected: yes. Not counted in ClinVar's aggregate classification.

NM_000044.6(AR):c.1314_1315del (p.Phe439fs)

Gene: AR (androgen receptor; plus strand). Cytogenetic location: Xq12.
Variant type: Microsatellite.
Coding change: c.1314_1315del on transcript NM_000044.6 (MANE Select); coding-DNA positions 1314 to 1315, 2 bases deleted (CT; older notation c.1314_1315delCT).
Protein change: p.Phe439fs; shifts the reading frame from phenylalanine 439.
Molecular consequence: frameshift variant. On other transcripts: 5 prime UTR variant (1).
Genome position (GRCh38, 1-based): chrX:67,546,460-67,546,461, CT deleted; deleting any 2 consecutive bases within chrX:67,546,456-67,546,461 gives the same sequence; the c. name uses the placement nearest the transcript's 3' end. VCF-style (leftmost placement, unchanged base first): chrX-67546455-ACT-A. GRCh37 (hg19) VCF-style: chrX-66766297-ACT-A.
Other names: c.-474CT[2] (NM_001011645.3); c.1314_1315del, p.Phe439fs (NM_001348061.1, NM_001348063.1, NM_001348064.1); c.1314_1315delCT (NM_000044.6); short protein forms F439fs.
Identifiers: ClinVar variation 646425 (VCV000646425.2), dbSNP rs1602144930, ClinGen allele CA915951144.